The following is an entry in ClinVar:

NM_138701.4(MPLKIP):c.130G>C (p.Gly44Arg)

Gene: MPLKIP (M-phase specific PLK1 interacting protein; minus strand). Cytogenetic location: 7p14.1.
Variant type: single nucleotide variant.
Coding change: c.130G>C on transcript NM_138701.4 (MANE Select); coding-DNA position 130, G replaced by C.
Protein change: p.Gly44Arg; replaces glycine 44 with arginine.
Molecular consequence: missense variant.
Genome position (GRCh38, 1-based): chr7:40,134,438, C>G on the plus strand (G>C on the coding strand, the complement: MPLKIP is on the minus strand). VCF-style: chr7-40134438-C-G. GRCh37 (hg19) VCF-style: chr7-40174037-C-G.
Other names: c.130G>C (NM_138701.3); short protein forms G44R.
Identifiers: ClinVar variation 1443396 (VCV001443396.10), dbSNP rs756038629, ClinGen allele CA4229234.
Genomic context (GRCh38, chr7:40,134,438, plus strand): 5'-TGCTCCCGTACGGCCTAGACCGGGGCCCGTACGGCGGCGTGTGGTGCGGACTCCCGTACC[C>G]GTCTCGAGGGGAGGGCGGCCGTGGTCCGCCCCCGCCCGGGGTTCCCCGGAAGCTGCTTCC-3'
Protein context (NP_619646.1, residues 34-54): GGPRPPSPRD[Gly44Arg]YGSPHHTPPY

ClinVar aggregate classification (germline): Uncertain significance. Review status: criteria provided, multiple submitters, no conflicts (2 of 4 stars). 2 submissions from 2 submitters: Uncertain significance (2). Last evaluated 2025-10-24.

Conditions:
Inborn genetic diseases. Identifiers: MedGen C0950123, MeSH D030342.

Allele frequency attached by ClinVar (database versions not stated): gnomAD 0.00001; ExAC 0.00006.

Submissions (2):

Ambry Genetics
Classification: Uncertain significance for Inborn genetic diseases. Last evaluated: 2025-10-24. Review status: criteria provided, single submitter. Criteria: Ambry Variant Classification Scheme 2023. Collection method: clinical testing. Allele origin: germline.

Labcorp Genetics (formerly Invitae), Labcorp
Classification: Uncertain significance. Last evaluated: 2022-07-12. Review status: criteria provided, single submitter. Criteria: Invitae Variant Classification Sherloc (09022015). Collection method: clinical testing. Allele origin: germline.
Comment: In summary, the available evidence is currently insufficient to determine the role of this variant in disease. Therefore, it has been classified as a Variant of Uncertain Significance. Algorithms developed to predict the effect of missense changes on protein structure and function are either unavailable or do not agree on the potential impact of this missense change (SIFT: "Deleterious"; PolyPhen-2: "Not Available"; Align-GVGD: "Class C25"). ClinVar contains an entry for this variant (Variation ID: 1443396). This variant has not been reported in the literature in individuals affected with MPLKIP-related conditions. This variant is present in population databases (rs756038629, gnomAD 0.008%). This sequence change replaces glycine, which is neutral and non-polar, with arginine, which is basic and polar, at codon 44 of the MPLKIP protein (p.Gly44Arg).